The following is an entry in ClinVar:

NM_016553.5(NUP62):c.1236G>T (p.Glu412Asp)

Genes: IL4I1 (interleukin 4 induced 1; minus strand), NUP62 (nucleoporin 62; minus strand). Cytogenetic location: 19q13.33.
Variant type: single nucleotide variant.
Coding change: c.1236G>T on transcript NM_016553.5 (MANE Select); coding-DNA position 1236, G replaced by T.
Protein change: p.Glu412Asp; replaces glutamic acid 412 with aspartic acid.
Molecular consequence: missense variant. On other transcripts: intron variant (3).
Genome position (GRCh38, 1-based): chr19:49,908,572, C>A on the plus strand (G>T on the coding strand, the complement: NUP62 is on the minus strand). VCF-style: chr19-49908572-C-A. GRCh37 (hg19) VCF-style: chr19-50411829-C-A.
Other names: c.1236G>T, p.Glu412Asp (NM_001193357.2, NM_012346.5, NM_153718.4 and 1 more transcripts); c.-227-4251G>T (NM_001258017.2, NM_172374.3); c.-285-4251G>T (NM_001258018.2); short protein forms E412D.
Identifiers: ClinVar variation 2355220 (VCV002355220.5), dbSNP rs138767204, ClinGen allele CA9588930.

ClinVar aggregate classification (germline): Uncertain significance. Review status: criteria provided, multiple submitters, no conflicts (2 of 4 stars). 2 submissions from 2 submitters: Uncertain significance (2). Last evaluated 2025-07-18.

Allele frequency attached by ClinVar (database versions not stated): gnomAD 0.00007; ESP Exome Variant Server 0.00015; ExAC 0.00007; gnomAD exomes 0.00022.
gnomAD v4.1: 327 of 1,614,094 alleles (0.02%); highest among the groups gnomAD compares: Non-Finnish European, 0.025%; no homozygotes.

Submissions (2):

Ambry Genetics
Classification: Uncertain significance. Last evaluated: 2025-07-18. Review status: criteria provided, single submitter. Criteria: Ambry Variant Classification Scheme 2023. Collection method: clinical testing. Allele origin: germline.

Labcorp Genetics (formerly Invitae), Labcorp
Classification: Uncertain significance. Last evaluated: 2025-03-03. Review status: criteria provided, single submitter. Criteria: Invitae Variant Classification Sherloc (09022015). Collection method: clinical testing. Allele origin: germline.
Comment: This sequence change replaces glutamic acid, which is acidic and polar, with aspartic acid, which is acidic and polar, at codon 412 of the NUP62 protein (p.Glu412Asp). This variant is present in population databases (rs138767204, gnomAD 0.02%). This variant has not been reported in the literature in individuals affected with NUP62-related conditions. ClinVar contains an entry for this variant (Variation ID: 2355220). An algorithm developed to predict the effect of missense changes on protein structure and function (PolyPhen-2) suggests that this variant is likely to be tolerated. In summary, the available evidence is currently insufficient to determine the role of this variant in disease. Therefore, it has been classified as a Variant of Uncertain Significance.